The following is an entry in ClinVar:

NM_001258392.3(CLPB):c.247C>T (p.Leu83Phe)

Genes: CLPB (ClpB family mitochondrial disaggregase; minus strand), LOC130006336 (ATAC-STARR-seq lymphoblastoid active region 5191; plus strand). Cytogenetic location: 11q13.4.
Variant type: single nucleotide variant.
Coding change: c.247C>T on transcript NM_001258392.3 (MANE Select); coding-DNA position 247, C replaced by T.
Protein change: p.Leu83Phe; replaces leucine 83 with phenylalanine.
Molecular consequence: missense variant.
Genome position (GRCh38, 1-based): chr11:72,434,228, G>A on the plus strand (C>T on the coding strand, the complement: CLPB is on the minus strand). VCF-style: chr11-72434228-G-A. GRCh37 (hg19) VCF-style: chr11-72145272-G-A.
Other names: c.247C>T, p.Leu83Phe (NM_001258393.3, NM_030813.6); c.5C>T, p.Pro2Leu (NM_001258394.3); short protein forms L83F, P2L.
Identifiers: ClinVar variation 651304 (VCV000651304.2), dbSNP rs1590947700, ClinGen allele CA381963169.

ClinVar aggregate classification (germline): Conflicting classifications of pathogenicity. Review status: criteria provided, conflicting classifications (1 of 4 stars). 2 submissions from 2 submitters: Uncertain significance (1); Likely benign (1). Last evaluated 2024-09-20.

Conditions:
3-methylglutaconic aciduria, type VIIB (MGCA7B). Also called: CLPB Deficiency; 3-methylglutaconic aciduria, type VII, with cataracts, neurologic involvement and neutropenia; 3-methylglutaconic aciduria with cataracts, neurologic involvement and neutropenia. Identifiers: Orphanet 445038, MedGen C5676893, MONDO:0014561, OMIM 616271.

Allele frequency attached by ClinVar (database versions not stated): gnomAD exomes below 0.00001; gnomAD 0.00001.

Submissions (2):

3billion
Classification: Likely benign for 3-methylglutaconic aciduria, type VIIB. Last evaluated: 2024-09-20. Review status: criteria provided, single submitter. Criteria: ACMG Guidelines, 2015. Collection method: clinical testing. Allele origin: germline. Affected: no.
Comment: The homozygous variant was found in patients diagnosed with another variant in a different gene, with no symptoms related to the gene containing the homozygous variant.

Labcorp Genetics (formerly Invitae), Labcorp
Classification: Uncertain significance for 3-methylglutaconic aciduria with cataracts, neurologic involvement, and neutropenia. Last evaluated: 2018-12-18. Review status: criteria provided, single submitter. Criteria: Invitae Variant Classification Sherloc (09022015). Collection method: clinical testing. Allele origin: germline.
Comment: This sequence change replaces leucine with phenylalanine at codon 83 of the CLPB protein (p.Leu83Phe). The leucine residue is weakly conserved and there is a small physicochemical difference between leucine and phenylalanine. This variant is not present in population databases (ExAC no frequency). This variant has not been reported in the literature in individuals with CLPB-related conditions. Algorithms developed to predict the effect of missense changes on protein structure and function output the following: SIFT: "Tolerated"; PolyPhen-2: "Benign"; Align-GVGD: "Class C0". The phenylalanine amino acid residue is found in multiple mammalian species, suggesting that this missense change does not adversely affect protein function. These predictions have not been confirmed by published functional studies and their clinical significance is uncertain. In summary, the available evidence is currently insufficient to determine the role of this variant in disease. Therefore, it has been classified as a Variant of Uncertain Significance.